The following is an entry in ClinVar:

NM_182760.4(SUMF1):c.788dup (p.Glu264fs)

Gene: SUMF1 (sulfatase modifying factor 1; minus strand). Cytogenetic location: 3p26.1.
Variant type: Duplication.
Coding change: c.788dup on transcript NM_182760.4 (MANE Select); coding-DNA position 788, one base duplicated (G; older notation c.788dupG).
Protein change: p.Glu264fs; shifts the reading frame from glutamic acid 264.
Molecular consequence: frameshift variant.
Genome position (GRCh38, 1-based): chr3:4,417,180, C duplicated on the plus strand (G on the coding strand, the reverse complement: SUMF1 is on the minus strand); the first of 3 consecutive C bases (chr3:4,417,180-4,417,182); duplicating any one gives the same sequence. VCF-style (leftmost placement, unchanged base first): chr3-4417179-G-GC. GRCh37 (hg19) VCF-style: chr3-4458863-G-GC.
Other names: c.713dup, p.Glu239fs (NM_001164674.2); c.788dup, p.Glu264fs (NM_001164675.2); short protein forms E239fs, E264fs.
Identifiers: ClinVar variation 5012156 (VCV005012156.1).

ClinVar aggregate classification (germline): Pathogenic (1 of 4 stars; one submission).

Conditions:
Multiple sulfatase deficiency (MSD). Also called: Mucosulfatidosis; Multiple Sulfatase Deficiency Disease; Sulfatidosis, Juvenile, Austin Type. Identifiers: Orphanet 585, MedGen C0268263, MONDO:0010088, OMIM 272200.

Submission:

Myriad Genetics, Inc.
Classification: Pathogenic for Multiple sulfatase deficiency. Last evaluated: 2023-09-27. Review status: criteria provided, single submitter. Criteria: Myriad Autosomal Dominant, Autosomal Recessive and X-Linked Classification Criteria (2023). Collection method: clinical testing. Allele origin: unknown.
Comment: NM_182760.3(SUMF1):c.788dupG(E264Rfs*9) is expected to be pathogenic in the context of multiple sulfatase deficiency. This variant is predicted to lead to an abnormal or absent protein product due to the creation of a premature termination codon in SUMF1, a gene where loss-of-function variants are known to be pathogenic. Please note: this variant was assessed in the context of healthy population screening.